The following is an entry in ClinVar:

NM_152424.4(AMER1):c.752A>G (p.Glu251Gly)

Gene: AMER1 (APC membrane recruitment protein 1; minus strand). Cytogenetic location: Xq11.2.
Variant type: single nucleotide variant.
Coding change: c.752A>G on transcript NM_152424.4 (MANE Select); coding-DNA position 752, A replaced by G.
Protein change: p.Glu251Gly; replaces glutamic acid 251 with glycine.
Molecular consequence: missense variant.
Genome position (GRCh38, 1-based): chrX:64,192,535, T>C on the plus strand (A>G on the coding strand, the complement: AMER1 is on the minus strand). VCF-style: chrX-64192535-T-C. GRCh37 (hg19) VCF-style: chrX-63412415-T-C.
Other names: short protein forms E251G.
Identifiers: ClinVar variation 1715497 (VCV001715497.5), dbSNP rs1324318011, ClinGen allele CA413309720.
Genomic context (GRCh38, chrX:64,192,535, plus strand): 5'-TGCACATGTGCTGAGGCACAGGCCTCCATGGGTTTTTCTGGATCTTTACAGGCCATTTTC[T>C]CAGTAGCTGGTGGAGAAGGTTCTGGTGTTGGAGAAACTTTTGGCCCAGGGGCATCTTGGG-3'
Protein context (NP_689637.3, residues 241-261): PTPEPSPPAT[Glu251Gly]KMACKDPEKP

ClinVar aggregate classification (germline): Uncertain significance (1 of 4 stars; one submission).

Allele frequency attached by ClinVar (database versions not stated): gnomAD exomes below 0.00001.

Submission:

Labcorp Genetics (formerly Invitae), Labcorp
Classification: Uncertain significance. Last evaluated: 2022-08-07. Review status: criteria provided, single submitter. Criteria: Invitae Variant Classification Sherloc (09022015). Collection method: clinical testing. Allele origin: germline.
Comment: In summary, the available evidence is currently insufficient to determine the role of this variant in disease. Therefore, it has been classified as a Variant of Uncertain Significance. Algorithms developed to predict the effect of missense changes on protein structure and function output the following: SIFT: "Tolerated"; PolyPhen-2: "Benign"; Align-GVGD: "Class C0". The glycine amino acid residue is found in multiple mammalian species, which suggests that this missense change does not adversely affect protein function. This variant has not been reported in the literature in individuals affected with AMER1-related conditions. The frequency data for this variant in the population databases is considered unreliable, as metrics indicate poor data quality at this position in the gnomAD database. This sequence change replaces glutamic acid, which is acidic and polar, with glycine, which is neutral and non-polar, at codon 251 of the AMER1 protein (p.Glu251Gly).